The following is an entry in ClinVar:

NM_015338.6(ASXL1):c.3178G>A (p.Val1060Ile)

Gene: ASXL1 (ASXL transcriptional regulator 1; plus strand). Cytogenetic location: 20q11.21.
Variant type: single nucleotide variant.
Coding change: c.3178G>A on transcript NM_015338.6 (MANE Select); coding-DNA position 3178, G replaced by A.
Protein change: p.Val1060Ile; replaces valine 1060 with isoleucine.
Molecular consequence: missense variant.
Genome position (GRCh38, 1-based): chr20:32,435,890, G>A. VCF-style: chr20-32435890-G-A. GRCh37 (hg19) VCF-style: chr20-31023693-G-A.
Other names: c.2995G>A, p.Val999Ile (NM_001363734.1); short protein forms V1060I, V999I.
Identifiers: ClinVar variation 3698426 (VCV003698426.4).

ClinVar aggregate classification (germline): Conflicting classifications of pathogenicity. Review status: criteria provided, conflicting classifications (1 of 4 stars). 2 submissions from 2 submitters: Uncertain significance (1); Likely benign (1). Last evaluated 2026-01-06.

Conditions:
Inborn genetic diseases. Identifiers: MedGen C0950123, MeSH D030342.

gnomAD v4.1: 3 of 1,614,192 alleles (0.00019%); highest among the groups gnomAD compares: African/African-American, 0.004%; no homozygotes.

Submissions (2):

Ambry Genetics
Classification: Likely benign for Inborn genetic diseases. Last evaluated: 2026-01-06. Review status: criteria provided, single submitter. Criteria: Ambry Variant Classification Scheme 2023. Collection method: clinical testing. Allele origin: germline.

Labcorp Genetics (formerly Invitae), Labcorp
Classification: Uncertain significance. Last evaluated: 2024-03-16. Review status: criteria provided, single submitter. Criteria: Invitae Variant Classification Sherloc (09022015). Collection method: clinical testing. Allele origin: germline.
Comment: This sequence change replaces valine, which is neutral and non-polar, with isoleucine, which is neutral and non-polar, at codon 1060 of the ASXL1 protein (p.Val1060Ile). This variant is present in population databases (rs138521991, gnomAD 0.008%). This variant has not been reported in the literature in individuals affected with ASXL1-related conditions. An algorithm developed to predict the effect of missense changes on protein structure and function (PolyPhen-2) suggests that this variant is likely to be tolerated. In summary, the available evidence is currently insufficient to determine the role of this variant in disease. Therefore, it has been classified as a Variant of Uncertain Significance.